The following is an entry in ClinVar:

ClinVar aggregate classification (germline): Uncertain significance. Review status: criteria provided, multiple submitters, no conflicts (2 of 4 stars). 2 submissions from 2 submitters: Uncertain significance (2). Last evaluated 2024-06-03.

Allele frequency attached by ClinVar (database versions not stated): ExAC 0.00002; gnomAD 0.00002; gnomAD exomes 0.00002; TOPMed 0.00004.
gnomAD v4.1: 30 of 1,611,772 alleles (0.0019%); highest among the groups gnomAD compares: East Asian, 0.047%; no homozygotes.

Submissions (2):

Labcorp Genetics (formerly Invitae), Labcorp
Classification: Uncertain significance. Last evaluated: 2024-06-03. Review status: criteria provided, single submitter. Criteria: Invitae Variant Classification Sherloc (09022015). Collection method: clinical testing. Allele origin: germline.
Comment: This sequence change replaces histidine, which is basic and polar, with glutamine, which is neutral and polar, at codon 245 of the SLIT2 protein (p.His245Gln). This variant is present in population databases (rs371248455, gnomAD 0.05%). This variant has not been reported in the literature in individuals affected with SLIT2-related conditions. ClinVar contains an entry for this variant (Variation ID: 2168663). An algorithm developed to predict the effect of missense changes on protein structure and function (PolyPhen-2) suggests that this variant is likely to be disruptive. In summary, the available evidence is currently insufficient to determine the role of this variant in disease. Therefore, it has been classified as a Variant of Uncertain Significance.

Ambry Genetics
Classification: Uncertain significance. Last evaluated: 2023-03-01. Review status: criteria provided, single submitter. Criteria: Ambry Variant Classification Scheme 2023. Collection method: clinical testing. Allele origin: germline.

NM_004787.4(SLIT2):c.735T>A (p.His245Gln)

Gene: SLIT2 (slit guidance ligand 2; plus strand). Cytogenetic location: 4p15.31.
Variant type: single nucleotide variant.
Coding change: c.735T>A on transcript NM_004787.4 (MANE Select); coding-DNA position 735, T replaced by A.
Protein change: p.His245Gln; replaces histidine 245 with glutamine.
Molecular consequence: missense variant.
Genome position (GRCh38, 1-based): chr4:20,488,942, T>A. VCF-style: chr4-20488942-T-A. GRCh37 (hg19) VCF-style: chr4-20490565-T-A.
Other names: c.735T>A (NM_004787.1); c.735T>A, p.His245Gln (NM_001289135.3, NM_001289136.3); short protein forms H245Q.
Identifiers: ClinVar variation 2168663 (VCV002168663.6), dbSNP rs371248455, ClinGen allele CA2871187.